The following is an entry in ClinVar:

NM_000059.4(BRCA2):c.7686T>G (p.Phe2562Leu)

Gene: BRCA2 (BRCA2 DNA repair associated; plus strand). Cytogenetic location: 13q13.1.
Variant type: single nucleotide variant.
Coding change: c.7686T>G on transcript NM_000059.4 (MANE Select); coding-DNA position 7686, T replaced by G.
Protein change: p.Phe2562Leu; replaces phenylalanine 2562 with leucine.
Molecular consequence: missense variant.
Genome position (GRCh38, 1-based): chr13:32,357,810, T>G. VCF-style: chr13-32357810-T-G. GRCh37 (hg19) VCF-style: chr13-32931947-T-G.
Other names: short protein forms F2562L.
Identifiers: ClinVar variation 1696312 (VCV001696312.1), dbSNP rs2137566775, ClinGen allele CA387745161.

ClinVar aggregate classification (germline): Uncertain significance (1 of 4 stars; one submission).

Submission:

Women's Health and Genetics/Laboratory Corporation of America, LabCorp
Classification: Uncertain significance. Last evaluated: 2022-05-02. Review status: criteria provided, single submitter. Criteria: LabCorp Variant Classification Summary - May 2015. Collection method: clinical testing. Allele origin: germline.
Comment: Variant summary: BRCA2 c.7686T>G (p.Phe2562Leu) results in a non-conservative amino acid change located in the Breast cancer type 2 susceptibility protein, helical domain of the encoded protein sequence. Five of five in-silico tools predict a damaging effect of the variant on protein function. The variant was absent in 251292 control chromosomes. To our knowledge, no occurrence of c.7686T>G in individuals affected with Hereditary Breast And Ovarian Cancer Syndrome has been reported. At least one publication reports experimental evidence evaluating an impact on protein function and showed that this variant is non-functional using a mouse embryonic stem cell-based functional assay. No clinical diagnostic laboratories have submitted clinical-significance assessments for this variant to ClinVar after 2014. However, c.7684T>C (resulting in same amino acid change) has been reported with conflicting interpretation (VUS/likely pathogenic) in ClinVar. Based on the evidence outlined above, the variant was classified as VUS-possibly pathogenic.

Literature cited by the submitters: PubMed 33293522.